The following is an entry in ClinVar:

ClinVar aggregate classification (germline): Pathogenic/Likely pathogenic. Review status: criteria provided, multiple submitters, no conflicts (2 of 4 stars). 2 submissions from 2 submitters: Pathogenic (1); Likely pathogenic (1). Last evaluated 2025-08-25.

Conditions:
Primary ciliary dyskinesia. Also called: Ciliary dyskinesia. Identifiers: Orphanet 244, MedGen C0008780, MONDO:0016575, HP:0012265.

Submissions (2):

Dasa
Classification: Likely pathogenic. Last evaluated: 2025-08-25. Review status: criteria provided, single submitter. Criteria: DASA Assertion Criteria. Collection method: clinical testing. Allele origin: germline.
Comment: NM_001277115.2(DNAH11):c.9042G>A (p.Trp3014*) is a nonsense variant in DNAH11 predicted to introduce a premature termination codon and is predicted to result in an absent or altered protein product. Loss of function is an established disease mechanism for DNAH11-associated disorders. Also, this variant is absent from population databases. Based on the currently available evidence, this variant is classified as likely pathogenic.

Labcorp Genetics (formerly Invitae), Labcorp
Classification: Pathogenic for Primary ciliary dyskinesia. Last evaluated: 2023-02-18. Review status: criteria provided, single submitter. Criteria: Invitae Variant Classification Sherloc (09022015). Collection method: clinical testing. Allele origin: germline.
Comment: This variant is not present in population databases (gnomAD no frequency). For these reasons, this variant has been classified as Pathogenic. This variant has not been reported in the literature in individuals affected with DNAH11-related conditions. This sequence change creates a premature translational stop signal (p.Trp3014*) in the DNAH11 gene. It is expected to result in an absent or disrupted protein product. Loss-of-function variants in DNAH11 are known to be pathogenic (PMID: 18022865, 20513915, 22184204).

Literature cited by the submitters: PubMed 18022865 (cited by Labcorp Genetics (formerly Invitae), Labcorp); PubMed 20513915 (cited by Labcorp Genetics (formerly Invitae), Labcorp); PubMed 22184204 (cited by Labcorp Genetics (formerly Invitae), Labcorp).

NM_001277115.2(DNAH11):c.9042G>A (p.Trp3014Ter)

Gene: DNAH11 (dynein axonemal heavy chain 11; plus strand). Cytogenetic location: 7p15.3.
Variant type: single nucleotide variant.
Coding change: c.9042G>A on transcript NM_001277115.2 (MANE Select); coding-DNA position 9042, G replaced by A.
Protein change: p.Trp3014Ter; replaces tryptophan 3014 with a stop codon.
Molecular consequence: nonsense.
Genome position (GRCh38, 1-based): chr7:21,765,529, G>A. VCF-style: chr7-21765529-G-A. GRCh37 (hg19) VCF-style: chr7-21805147-G-A.
Other names: c.9063G>A, p.Trp3021Ter (NM_003777.3); short protein forms W3021*, W3014*.
Identifiers: ClinVar variation 2838661 (VCV002838661.5), dbSNP rs2535189943, ClinGen allele CA366935574.